The following is an entry in ClinVar:

ClinVar aggregate classification (germline): Likely pathogenic (1 of 4 stars; one submission).

Conditions:
Epilepsy, childhood absence, susceptibility to, 1. Also called: Epilepsy, childhood absence 1. Identifiers: Orphanet 64280, MedGen C1838604, MONDO:0020759, OMIM 600131.
Epilepsy, childhood absence, susceptibility to, 5. Identifiers: Orphanet 64280, MedGen C2677087, MONDO:0012843, OMIM 612269.

Submission:

Labcorp Genetics (formerly Invitae), Labcorp
Classification: Likely pathogenic for Epilepsy, childhood absence, susceptibility to, 5; Epilepsy, childhood absence, susceptibility to, 1. Last evaluated: 2023-07-19. Review status: criteria provided, single submitter. Criteria: Invitae Variant Classification Sherloc (09022015). Collection method: clinical testing. Allele origin: germline.
Comment: This variant, c.866_904dup, results in the insertion of 13 amino acid(s) of the GABRB3 protein (p.Pro301_Tyr302ins13), but otherwise preserves the integrity of the reading frame. This variant is not present in population databases (gnomAD no frequency). This variant has been observed in individual(s) with clinical features of GABRB3-related conditions (Invitae). In at least one individual the variant was observed to be de novo. Experimental studies and prediction algorithms are not available or were not evaluated, and the functional significance of this variant is currently unknown. In summary, the currently available evidence indicates that the variant is pathogenic, but additional data are needed to prove that conclusively. Therefore, this variant has been classified as Likely Pathogenic.

NM_000814.6(GABRB3):c.866_904dup (p.Pro301_Tyr302insPheAsnThrHisLeuArgGluThrLeuProLysIlePro)

Gene: GABRB3 (gamma-aminobutyric acid type A receptor subunit beta3; minus strand). Cytogenetic location: 15q12.
Variant type: Duplication.
Coding change: c.866_904dup on transcript NM_000814.6 (MANE Select); coding-DNA positions 866 to 904, 39 bases duplicated.
Protein change: p.Pro301_Tyr302insPheAsnThrHisLeuArgGluThrLeuProLysIlePro.
Molecular consequence: inframe insertion.
Genome position (GRCh38, 1-based): chr15:26,561,108-26,561,146, 39 bases duplicated. GRCh37 (hg19): chr15:26,806,255-26,806,293.
Other names: c.611_649dup, p.Pro216_Tyr217insPheAsnThrHisLeuArgGluThrLeuProLysIlePro (NM_001191320.2, NM_001278631.2); c.653_691dup, p.Pro230_Tyr231insPheAsnThrHisLeuArgGluThrLeuProLysIlePro (NM_001191321.3); c.866_904dup, p.Pro301_Tyr302insPheAsnThrHisLeuArgGluThrLeuProLysIlePro (NM_021912.5).
Identifiers: ClinVar variation 2948400 (VCV002948400.3), dbSNP rs2504153682, ClinGen allele CA2740097231.